The following is an entry in ClinVar:

NM_014714.4(IFT140):c.1417G>A (p.Ala473Thr)

Genes: IFT140 (intraflagellar transport 140; minus strand), LOC105371046 (uncharacterized LOC105371046; plus strand). Cytogenetic location: 16p13.3.
Variant type: single nucleotide variant.
Coding change: c.1417G>A on transcript NM_014714.4 (MANE Select); coding-DNA position 1417, G replaced by A.
Protein change: p.Ala473Thr; replaces alanine 473 with threonine.
Molecular consequence: missense variant.
Genome position (GRCh38, 1-based): chr16:1,583,329, C>T on the plus strand (G>A on the coding strand, the complement: IFT140 is on the minus strand). VCF-style: chr16-1583329-C-T. GRCh37 (hg19) VCF-style: chr16-1633330-C-T.
Other names: short protein forms A473T.
Identifiers: ClinVar variation 846110 (VCV000846110.12), dbSNP rs149642543, ClinGen allele CA7814311.
Genomic context (GRCh38, chr16:1,583,329, plus strand): 5'-AAGCCAGGTAGTGGGAGTGCCTCTGTCCGGGTGAAAAGAACCCACCTGCACTCCGTATCG[C>T]GGCTCCAGAAAGCTCGAAGATCGCCACCTGCCTTCCGTTCCAGACTGCGACAGCATCCTG-3'
Protein context (NP_055529.2, residues 463-483): QVAIFELSGA[Ala473Thr]IRSAGTFLCE

ClinVar aggregate classification (germline): Conflicting classifications of pathogenicity. Review status: criteria provided, conflicting classifications (1 of 4 stars). 7 submissions from 7 submitters: Uncertain significance (4); Likely benign (2). 1 of the submissions does not count toward it. Last evaluated 2026-01-22.

Conditions:
Retinitis pigmentosa 80 (RP80). Identifiers: MedGen C4540439, MONDO:0054708, OMIM 617781.
Saldino-Mainzer syndrome (SRTD9). Also called: CONORENAL SYNDROME; SHORT-RIB THORACIC DYSPLASIA 9 WITHOUT POLYDACTYLY; Renal dysplasia, retinal pigmentary dystrophy, cerebellar ataxia and skeletal dysplasia; short-rib thoracic dysplasia 9 with or without polydactyly. Identifiers: Orphanet 140969, MedGen C1849437, MONDO:0009964, OMIM 266920.
IFT140-related disorder. Also called: IFT140-related condition.
Inborn genetic diseases. Identifiers: MedGen C0950123, MeSH D030342.

Allele frequency attached by ClinVar (database versions not stated): ExAC 0.00011; gnomAD exomes 0.00012 and 0.00014; ESP Exome Variant Server 0.00015; TOPMed 0.00016; gnomAD 0.00017 and 0.00019.
gnomAD v4.1: 239 of 1,613,952 alleles (0.015%); highest among the groups gnomAD compares: Admixed American, 0.023%; no homozygotes.

Submissions (7):

Labcorp Genetics (formerly Invitae), Labcorp
Classification: Likely benign for Saldino-Mainzer syndrome. Last evaluated: 2026-01-22. Review status: criteria provided, single submitter. Criteria: Invitae Variant Classification Sherloc (09022015). Collection method: clinical testing. Allele origin: germline.

Blueprint Genetics
Classification: Uncertain significance. Last evaluated: 2024-09-13. Review status: criteria provided, single submitter. Criteria: ACMG Guidelines, 2015. Collection method: clinical testing. Allele origin: germline.

Johns Hopkins Genomics, Johns Hopkins University
Classification: Uncertain significance for Saldino-Mainzer syndrome. Last evaluated: 2024-09-11. Review status: criteria provided, single submitter. Criteria: ACMG Guidelines, 2015. Collection method: clinical testing. Allele origin: germline.
Comment: This IFT140 missense variant (rs149642543) is rare (<0.1%) in a large population dataset (gnomAD v4.1.0: 239/1613952 total alleles, 0.015%; no homozygotes). It has been reported in ClinVar (Variation ID 846110), but has not been reported in the literature, to our knowledge. Two bioinformatic tools queried predict that this substitution would be tolerated, and the alanine residue at this position is evolutionarily very poorly conserved across the species assessed. We consider the clinical significance of c.1417G>A in IFT140 to be uncertain at this time.

Ambry Genetics
Classification: Likely benign for Inborn genetic diseases. Last evaluated: 2022-06-10. Review status: criteria provided, single submitter. Criteria: Ambry Variant Classification Scheme 2023. Collection method: clinical testing. Allele origin: germline.

Fulgent Genetics
Classification: Uncertain significance for Saldino-Mainzer syndrome; Retinitis pigmentosa 80. Last evaluated: 2022-04-06. Review status: criteria provided, single submitter. Criteria: ACMG Guidelines, 2015. Collection method: clinical testing. Allele origin: unknown.

Breakthrough Genomics
Classification: Uncertain significance. Review status: criteria provided, single submitter. Criteria: ACMG Guidelines, 2015. Collection method: not provided. Allele origin: germline. Inheritance: Autosomal recessive inheritance. Affected: yes.

PreventionGenetics, part of Exact Sciences
Classification: Uncertain significance for IFT140-related condition. Last evaluated: 2024-03-27. Review status: no assertion criteria provided. Collection method: clinical testing. Allele origin: germline. Not counted in ClinVar's aggregate classification.
Comment: The IFT140 c.1417G>A variant is predicted to result in the amino acid substitution p.Ala473Thr. To our knowledge, this variant has not been reported in the literature. This variant is reported in 0.023% of alleles in individuals of Latino descent in gnomAD. At this amino acid position in many species is a threonine (Thr). Although we suspect that this variant may be benign, at this time, the clinical significance of this variant is uncertain due to the absence of conclusive functional and genetic evidence.

Literature cited by the submitters: PubMed 34890546 (cited by Johns Hopkins Genomics, Johns Hopkins University); PubMed 36573973 (cited by Johns Hopkins Genomics, Johns Hopkins University); PubMed 39136524 (cited by Johns Hopkins Genomics, Johns Hopkins University).